The following is an entry in ClinVar:

ClinVar aggregate classification (germline): Uncertain significance (1 of 4 stars; one submission).

Conditions:
Primary ciliary dyskinesia. Also called: Ciliary dyskinesia. Identifiers: Orphanet 244, MedGen C0008780, MONDO:0016575, HP:0012265.

Allele frequency attached by ClinVar (database versions not stated): TOPMed 0.00001; ExAC 0.00002; gnomAD 0.00002 and 0.00001; gnomAD exomes below 0.00001 and 0.00001.

Submission:

Labcorp Genetics (formerly Invitae), Labcorp
Classification: Uncertain significance for Primary ciliary dyskinesia. Last evaluated: 2021-06-30. Review status: criteria provided, single submitter. Criteria: Invitae Variant Classification Sherloc (09022015). Collection method: clinical testing. Allele origin: germline.
Comment: This sequence change replaces methionine with valine at codon 209 of the ZMYND10 protein (p.Met209Val). The methionine residue is moderately conserved and there is a small physicochemical difference between methionine and valine. This variant is present in population databases (rs781368194, ExAC 0.03%). This variant has not been reported in the literature in individuals affected with ZMYND10-related conditions. Algorithms developed to predict the effect of missense changes on protein structure and function are either unavailable or do not agree on the potential impact of this missense change (SIFT: "Deleterious"; PolyPhen-2: "Benign"; Align-GVGD: "Class C0"). In summary, the available evidence is currently insufficient to determine the role of this variant in disease. Therefore, it has been classified as a Variant of Uncertain Significance.

NM_015896.4(ZMYND10):c.625A>G (p.Met209Val)

Gene: ZMYND10 (zinc finger MYND-type containing 10; minus strand). Cytogenetic location: 3p21.31.
Variant type: single nucleotide variant.
Coding change: c.625A>G on transcript NM_015896.4 (MANE Select); coding-DNA position 625, A replaced by G.
Protein change: p.Met209Val; replaces methionine 209 with valine.
Molecular consequence: missense variant. On other transcripts: intron variant (1).
Genome position (GRCh38, 1-based): chr3:50,342,993, T>C on the plus strand (A>G on the coding strand, the complement: ZMYND10 is on the minus strand). VCF-style: chr3-50342993-T-C. GRCh37 (hg19) VCF-style: chr3-50380424-T-C.
Other names: c.599+125A>G (NM_001308379.2); short protein forms M209V.
Identifiers: ClinVar variation 1437126 (VCV001437126.8), dbSNP rs781368194, ClinGen allele CA2417143.